The following is an entry in ClinVar:

NM_004655.4(AXIN2):c.2405+5G>T

Gene: AXIN2 (axin 2; minus strand). Cytogenetic location: 17q24.1.
Variant type: single nucleotide variant.
Coding change: c.2405+5G>T on transcript NM_004655.4 (MANE Select); 5 bases into the intron after coding-DNA position 2405, G replaced by T.
Molecular consequence: intron variant.
Genome position (GRCh38, 1-based): chr17:65,533,907, C>A on the plus strand (G>T on the coding strand, the complement: AXIN2 is on the minus strand). VCF-style: chr17-65533907-C-A. GRCh37 (hg19) VCF-style: chr17-63530025-C-A.
Other names: c.2210+5G>T (NM_001363813.1).
Identifiers: ClinVar variation 2127528 (VCV002127528.4), dbSNP rs748208644, ClinGen allele CA2580094675.

ClinVar aggregate classification (germline): Uncertain significance (1 of 4 stars; one submission).

Conditions:
Oligodontia-cancer predisposition syndrome. Also called: TOOTH AGENESIS-COLORECTAL CANCER SYNDROME. Identifiers: Orphanet 300576, MedGen C1837750, MONDO:0012075, OMIM 608615. Disease mechanism: loss of function.

Submission:

Labcorp Genetics (formerly Invitae), Labcorp
Classification: Uncertain significance for Oligodontia-cancer predisposition syndrome. Last evaluated: 2022-04-18. Review status: criteria provided, single submitter. Criteria: Invitae Variant Classification Sherloc (09022015). Collection method: clinical testing. Allele origin: germline.
Comment: This sequence change falls in intron 10 of the AXIN2 gene. It does not directly change the encoded amino acid sequence of the AXIN2 protein. It affects a nucleotide within the consensus splice site. This variant is not present in population databases (gnomAD no frequency). This variant has not been reported in the literature in individuals affected with AXIN2-related conditions. Variants that disrupt the consensus splice site are a relatively common cause of aberrant splicing (PMID: 17576681, 9536098). RNA analysis performed to evaluate the impact of this variant on mRNA splicing indicates it does not significantly alter splicing (Invitae). In summary, the available evidence is currently insufficient to determine the role of this variant in disease. Therefore, it has been classified as a Variant of Uncertain Significance.

Literature cited by the submitters: PubMed 17576681; PubMed 9536098.